The following is an entry in ClinVar:

NM_181426.2(CCDC39):c.1059del (p.Asn353fs)

Gene: CCDC39 (coiled-coil domain 39 molecular ruler complex subunit; minus strand). Cytogenetic location: 3q26.33.
Variant type: Deletion.
Coding change: c.1059del on transcript NM_181426.2 (MANE Select); coding-DNA position 1059, one base deleted (T; older notation c.1059delT).
Protein change: p.Asn353fs; shifts the reading frame from asparagine 353.
Molecular consequence: frameshift variant.
Genome position (GRCh38, 1-based): chr3:180,651,509, A deleted on the plus strand (T on the coding strand, the reverse complement: CCDC39 is on the minus strand). VCF-style (leftmost placement, unchanged base first): chr3-180651508-CA-C. GRCh37 (hg19) VCF-style: chr3-180369296-CA-C.
Other names: short protein forms N353fs.
Identifiers: ClinVar variation 2862056 (VCV002862056.3), dbSNP rs2473813482, ClinGen allele CA2739279691.

ClinVar aggregate classification (germline): Pathogenic (1 of 4 stars; one submission).

Conditions:
Primary ciliary dyskinesia. Also called: Ciliary dyskinesia. Identifiers: Orphanet 244, MedGen C0008780, MONDO:0016575, HP:0012265.

Submission:

Labcorp Genetics (formerly Invitae), Labcorp
Classification: Pathogenic for Primary ciliary dyskinesia. Last evaluated: 2023-05-05. Review status: criteria provided, single submitter. Criteria: Invitae Variant Classification Sherloc (09022015). Collection method: clinical testing. Allele origin: germline.
Comment: For these reasons, this variant has been classified as Pathogenic. This variant has not been reported in the literature in individuals affected with CCDC39-related conditions. This variant is not present in population databases (gnomAD no frequency). This sequence change creates a premature translational stop signal (p.Asn353Lysfs*3) in the CCDC39 gene. It is expected to result in an absent or disrupted protein product. Loss-of-function variants in CCDC39 are known to be pathogenic (PMID: 21131972, 23255504).

Literature cited by the submitters: PubMed 21131972; PubMed 23255504.